The following is an entry in ClinVar:

NM_024422.6(DSC2):c.1837G>C (p.Glu613Gln)

Gene: DSC2 (desmocollin 2; minus strand). Cytogenetic location: 18q12.1.
Variant type: single nucleotide variant.
Coding change: c.1837G>C on transcript NM_024422.6 (MANE Select); coding-DNA position 1837, G replaced by C.
Protein change: p.Glu613Gln; replaces glutamic acid 613 with glutamine.
Molecular consequence: missense variant.
Genome position (GRCh38, 1-based): chr18:31,074,734, C>G on the plus strand (G>C on the coding strand, the complement: DSC2 is on the minus strand). VCF-style: chr18-31074734-C-G. GRCh37 (hg19) VCF-style: chr18-28654700-C-G.
Other names: c.1837G>C, p.Glu613Gln (NM_004949.5); short protein forms E613Q.
Identifiers: ClinVar variation 1431143 (VCV001431143.5), dbSNP rs777716519, ClinGen allele CA033400.

ClinVar aggregate classification (germline): Uncertain significance (1 of 4 stars; one submission).

Conditions:
Arrhythmogenic right ventricular dysplasia 11. Also called: Arrhythmogenic right ventricular dysplasia 11 with mild palmoplantar keratoderma and woolly hair; Arrhythmogenic Right Ventricular Dysplasia/Cardiomyopathy11; ARRHYTHMOGENIC RIGHT VENTRICULAR DYSPLASIA, FAMILIAL, 11. Identifiers: MedGen C1864850, MONDO:0012506, OMIM 610476.

Allele frequency attached by ClinVar (database versions not stated): ExAC 0.00001; gnomAD exomes below 0.00001.
gnomAD v4.1: 1 of 1,613,940 alleles (0.000062%); highest among the groups gnomAD compares: Admixed American, 0.0017%; no homozygotes.

Submission:

Labcorp Genetics (formerly Invitae), Labcorp
Classification: Uncertain significance for Arrhythmogenic right ventricular dysplasia 11. Last evaluated: 2025-04-14. Review status: criteria provided, single submitter. Criteria: Invitae Variant Classification Sherloc (09022015). Collection method: clinical testing. Allele origin: germline.
Comment: This sequence change replaces glutamic acid, which is acidic and polar, with glutamine, which is neutral and polar, at codon 613 of the DSC2 protein (p.Glu613Gln). This variant is present in population databases (rs777716519, gnomAD 0.003%). This variant has not been reported in the literature in individuals affected with DSC2-related conditions. ClinVar contains an entry for this variant (Variation ID: 1431143). Invitae Evidence Modeling of protein sequence and biophysical properties (such as structural, functional, and spatial information, amino acid conservation, physicochemical variation, residue mobility, and thermodynamic stability) indicates that this missense variant is not expected to disrupt DSC2 protein function with a negative predictive value of 80%. In summary, the available evidence is currently insufficient to determine the role of this variant in disease. Therefore, it has been classified as a Variant of Uncertain Significance.